The following is an entry in ClinVar:

ClinVar aggregate classification (germline): Uncertain significance (0 of 4 stars; one submission).

Conditions:
NLRC4-related disorder. Also called: NLRC4-related condition.

gnomAD v4.1: 9 of 1,614,196 alleles (0.00056%); highest among the groups gnomAD compares: South Asian, 0.0099%; no homozygotes.

Submission:

PreventionGenetics, part of Exact Sciences
Classification: Uncertain significance for NLRC4-related condition. Last evaluated: 2024-03-08. Review status: no assertion criteria provided. Collection method: clinical testing. Allele origin: germline.
Comment: The NLRC4 c.845A>G variant is predicted to result in the amino acid substitution p.Glu282Gly. To our knowledge, this variant has not been reported in the literature. This variant is reported in 0.0098% of alleles in individuals of South Asian descent in gnomAD (3 of ~250,000 alleles). At this time, the clinical significance of this variant is uncertain due to the absence of conclusive functional and genetic evidence.

NM_001199138.2(NLRC4):c.845A>G (p.Glu282Gly)

Gene: NLRC4 (NLR family CARD domain containing 4; minus strand). Cytogenetic location: 2p22.3.
Variant type: single nucleotide variant.
Coding change: c.845A>G on transcript NM_001199138.2 (MANE Select); coding-DNA position 845, A replaced by G.
Protein change: p.Glu282Gly; replaces glutamic acid 282 with glycine.
Molecular consequence: missense variant. On other transcripts: intron variant (1).
Genome position (GRCh38, 1-based): chr2:32,251,019, T>C on the plus strand (A>G on the coding strand, the complement: NLRC4 is on the minus strand). VCF-style: chr2-32251019-T-C. GRCh37 (hg19) VCF-style: chr2-32476088-T-C.
Other names: c.845A>G, p.Glu282Gly (NM_001199139.2, NM_021209.5); c.262+1400A>G (NM_001302504.1); short protein forms E282G.
Identifiers: ClinVar variation 3353668 (VCV003353668.1).
Genomic context (GRCh38, chr2:32,251,019, plus strand): 5'-TCTGTCATATCCCCCACCTCAGCAGTCAGGGCACCAAACTGCCGTATGTGCCTCAGGCAC[T>C]CAGTGGTAGTGGTGACGATGACCATGTTCTTGAAGCGGTGGTTTTCCTTTATCAGGGCTT-3'
Protein context (NP_001186067.1, residues 272-292): KNMVIVTTTT[Glu282Gly]CLRHIRQFGA